The following is an entry in ClinVar:

ClinVar aggregate classification (germline): Uncertain significance. Review status: criteria provided, multiple submitters, no conflicts (2 of 4 stars). 2 submissions from 2 submitters: Uncertain significance (2). Last evaluated 2022-09-07.

Allele frequency attached by ClinVar (database versions not stated): ESP Exome Variant Server 0.00023.
gnomAD v4.1: 45 of 1,613,954 alleles (0.0028%); highest among the groups gnomAD compares: African/African-American, 0.06%; no homozygotes.

Submissions (2):

GeneDx
Classification: Uncertain significance. Last evaluated: 2022-09-07. Review status: criteria provided, single submitter. Criteria: GeneDx Variant Classification Process June 2021. Collection method: clinical testing. Allele origin: germline. Affected: yes.
Comment: In silico analysis supports that this missense variant has a deleterious effect on protein structure/function; Has not been previously published as pathogenic or benign to our knowledge

Labcorp Genetics (formerly Invitae), Labcorp
Classification: Uncertain significance. Last evaluated: 2022-07-25. Review status: criteria provided, single submitter. Criteria: Invitae Variant Classification Sherloc (09022015). Collection method: clinical testing. Allele origin: germline.
Comment: In summary, the available evidence is currently insufficient to determine the role of this variant in disease. Therefore, it has been classified as a Variant of Uncertain Significance. This variant disrupts the p.Arg817 amino acid residue in IARS2. Other variant(s) that disrupt this residue have been determined to be pathogenic (PMID: 32020600, 33327715). This suggests that this residue is clinically significant, and that variants that disrupt this residue are likely to be disease-causing. Algorithms developed to predict the effect of missense changes on protein structure and function are either unavailable or do not agree on the potential impact of this missense change (SIFT: "Tolerated"; PolyPhen-2: "Probably Damaging"; Align-GVGD: "Class C0"). ClinVar contains an entry for this variant (Variation ID: 1493740). This variant has not been reported in the literature in individuals affected with IARS2-related conditions. This variant is present in population databases (rs146618526, gnomAD 0.05%). This sequence change replaces arginine, which is basic and polar, with leucine, which is neutral and non-polar, at codon 817 of the IARS2 protein (p.Arg817Leu).

Literature cited by the submitters: PubMed 32020600 (cited by Labcorp Genetics (formerly Invitae), Labcorp); PubMed 33327715 (cited by Labcorp Genetics (formerly Invitae), Labcorp).

NM_018060.4(IARS2):c.2450G>T (p.Arg817Leu)

Gene: IARS2 (isoleucyl-tRNA synthetase 2, mitochondrial; plus strand). Cytogenetic location: 1q41.
Variant type: single nucleotide variant.
Coding change: c.2450G>T on transcript NM_018060.4 (MANE Select); coding-DNA position 2450, G replaced by T.
Protein change: p.Arg817Leu; replaces arginine 817 with leucine.
Molecular consequence: missense variant.
Genome position (GRCh38, 1-based): chr1:220,141,838, G>T. VCF-style: chr1-220141838-G-T. GRCh37 (hg19) VCF-style: chr1-220315180-G-T.
Other names: c.2450G>T (NM_018060.3); short protein forms R817L.
Identifiers: ClinVar variation 1493740 (VCV001493740.8), dbSNP rs146618526, ClinGen allele CA1401780.